The following is an entry in ClinVar:

NM_001943.5(DSG2):c.19C>T (p.Arg7Cys)

Genes: DSG2 (desmoglein 2; plus strand), LOC130062340 (ATAC-STARR-seq lymphoblastoid silent region 9384; plus strand). Cytogenetic location: 18q12.1.
Variant type: single nucleotide variant.
Coding change: c.19C>T on transcript NM_001943.5 (MANE Select); coding-DNA position 19, C replaced by T.
Protein change: p.Arg7Cys; replaces arginine 7 with cysteine.
Molecular consequence: missense variant.
Genome position (GRCh38, 1-based): chr18:31,498,270, C>T. VCF-style: chr18-31498270-C-T. GRCh37 (hg19) VCF-style: chr18-29078233-C-T.
Other names: short protein forms R7C.
Identifiers: ClinVar variation 5035619 (VCV005035619.1).
Genomic context (GRCh38, chr18:31,498,270, plus strand): 5'-GCGCGGAGCGGTGCGGCGGCGGGAGGCGGAGGCGAGGGTGCGATGGCGCGGAGCCCGGGA[C>T]GCGCGTACGCCCTGCTGCTTCTCCTGGTAAGTGCCGCAAGCGGGACAGGGGAGCCACCGC-3'
Protein context (NP_001934.2, residues 1-17): MARSPG[Arg7Cys]AYALLLLLIC

ClinVar aggregate classification (germline): Uncertain significance (1 of 4 stars; one submission).

Conditions:
Cardiovascular phenotype. Identifiers: MedGen CN230736.

Submission:

Ambry Genetics
Classification: Uncertain significance for Cardiovascular phenotype. Last evaluated: 2026-09-11. Review status: criteria provided, single submitter. Criteria: Ambry Variant Classification Scheme 2023. Collection method: clinical testing. Allele origin: germline.
Comment: The p.R7C variant (also known as c.19C>T), located in coding exon 1 of the DSG2 gene, results from a C to T substitution at nucleotide position 19. The arginine at codon 7 is replaced by cysteine, an amino acid with highly dissimilar properties. This amino acid position is conserved. In addition, this alteration is predicted to be tolerated by in silico analysis. Based on the available evidence, the clinical significance of this variant remains unclear.